The following is an entry in ClinVar:

NM_017612.5(ZCCHC8):c.1862G>C (p.Gly621Ala)

Gene: ZCCHC8 (zinc finger CCHC-type containing 8; minus strand). Cytogenetic location: 12q24.31.
Variant type: single nucleotide variant.
Coding change: c.1862G>C on transcript NM_017612.5 (MANE Select); coding-DNA position 1862, G replaced by C.
Protein change: p.Gly621Ala; replaces glycine 621 with alanine.
Molecular consequence: missense variant.
Genome position (GRCh38, 1-based): chr12:122,473,759, C>G on the plus strand (G>C on the coding strand, the complement: ZCCHC8 is on the minus strand). VCF-style: chr12-122473759-C-G. GRCh37 (hg19) VCF-style: chr12-122958306-C-G.
Other names: c.1631G>C, p.Gly544Ala (NM_001350935.2); c.1565G>C, p.Gly522Ala (NM_001350936.2); c.1148G>C, p.Gly383Ala (NM_001350937.2, NM_001350938.2); short protein forms G522A, G544A, G621A, G383A.
Identifiers: ClinVar variation 1401324 (VCV001401324.8), dbSNP rs2137316371, ClinGen allele CA387047529.

ClinVar aggregate classification (germline): Uncertain significance (1 of 4 stars; one submission).

Submission:

Labcorp Genetics (formerly Invitae), Labcorp
Classification: Uncertain significance. Last evaluated: 2024-08-05. Review status: criteria provided, single submitter. Criteria: Invitae Variant Classification Sherloc (09022015). Collection method: clinical testing. Allele origin: germline.
Comment: This sequence change replaces glycine, which is neutral and non-polar, with alanine, which is neutral and non-polar, at codon 621 of the ZCCHC8 protein (p.Gly621Ala). This variant is not present in population databases (gnomAD no frequency). This variant has not been reported in the literature in individuals affected with ZCCHC8-related conditions. ClinVar contains an entry for this variant (Variation ID: 1401324). Advanced modeling of protein sequence and biophysical properties (such as structural, functional, and spatial information, amino acid conservation, physicochemical variation, residue mobility, and thermodynamic stability) performed at Invitae indicates that this missense variant is not expected to disrupt ZCCHC8 protein function with a negative predictive value of 80%. In summary, the available evidence is currently insufficient to determine the role of this variant in disease. Therefore, it has been classified as a Variant of Uncertain Significance.